The following is an entry in ClinVar:

ClinVar aggregate classification (germline): Uncertain significance. Review status: criteria provided, multiple submitters, no conflicts (2 of 4 stars). 2 submissions from 2 submitters: Uncertain significance (2). Last evaluated 2025-05-14.

Conditions:
Dyskeratosis congenita, autosomal recessive 6 (DKCB6). Identifiers: MedGen C4225356, MONDO:0014600, OMIM 616353.
Pulmonary fibrosis and/or bone marrow failure, Telomere-related, 4. Also called: PULMONARY FIBROSIS AND/OR BONE MARROW FAILURE SYNDROME, TELOMERE-RELATED, 4. Identifiers: Orphanet 2032, MedGen C4225347, MONDO:0014612, OMIM 616371.

Allele frequency attached by ClinVar (database versions not stated): TOPMed 0.00001.
gnomAD v4.1: 4 of 1,603,880 alleles (0.00025%); highest among the groups gnomAD compares: Admixed American, 0.005%; no homozygotes.

Submissions (2):

Labcorp Genetics (formerly Invitae), Labcorp
Classification: Uncertain significance for Dyskeratosis congenita, autosomal recessive 6; Pulmonary fibrosis and/or bone marrow failure, Telomere-related, 4. Last evaluated: 2025-05-14. Review status: criteria provided, single submitter. Criteria: Invitae Variant Classification Sherloc (09022015). Collection method: clinical testing. Allele origin: germline.
Comment: This sequence change replaces serine, which is neutral and polar, with tyrosine, which is neutral and polar, at codon 100 of the PARN protein (p.Ser100Tyr). The frequency data for this variant in the population databases is considered unreliable, as metrics indicate poor data quality at this position in the gnomAD database. This variant has not been reported in the literature in individuals affected with PARN-related conditions. ClinVar contains an entry for this variant (Variation ID: 967449). An algorithm developed to predict the effect of missense changes on protein structure and function (PolyPhen-2) suggests that this variant is likely to be tolerated. In summary, the available evidence is currently insufficient to determine the role of this variant in disease. Therefore, it has been classified as a Variant of Uncertain Significance.

GeneDx
Classification: Uncertain significance. Last evaluated: 2022-08-22. Review status: criteria provided, single submitter. Criteria: GeneDx Variant Classification Process June 2021. Collection method: clinical testing. Allele origin: germline. Affected: yes.
Comment: In silico analysis supports that this missense variant does not alter protein structure/function; Has not been previously published as pathogenic or benign to our knowledge

NM_002582.4(PARN):c.299C>A (p.Ser100Tyr)

Gene: PARN (poly(A)-specific ribonuclease; minus strand). Cytogenetic location: 16p13.12.
Variant type: single nucleotide variant.
Coding change: c.299C>A on transcript NM_002582.4 (MANE Select); coding-DNA position 299, C replaced by A.
Protein change: p.Ser100Tyr; replaces serine 100 with tyrosine.
Molecular consequence: missense variant.
Genome position (GRCh38, 1-based): chr16:14,627,134, G>T on the plus strand (C>A on the coding strand, the complement: PARN is on the minus strand). VCF-style: chr16-14627134-G-T. GRCh37 (hg19) VCF-style: chr16-14720991-G-T.
Other names: c.116C>A, p.Ser39Tyr (NM_001134477.3); c.161C>A, p.Ser54Tyr (NM_001242992.2); short protein forms S100Y, S39Y, S54Y.
Identifiers: ClinVar variation 967449 (VCV000967449.10), dbSNP rs759622779, ClinGen allele CA7912468.